The following is an entry in ClinVar:

ClinVar aggregate classification (germline): Uncertain significance (1 of 4 stars; one submission).

Conditions:
Osteogenesis imperfecta type I (OI1). Also called: OI, TYPE I; OSTEOGENESIS IMPERFECTA TARDA; OSTEOGENESIS IMPERFECTA WITH BLUE SCLERAE; Osteogenesis imperfecta type 1; Lobstein's Disease; Lobstein disease. Identifiers: Orphanet 216796, Orphanet 666, MedGen C0023931, MONDO:0008146, OMIM 166200. Disease mechanism: loss of function.
Ehlers-Danlos syndrome, classic type, 1 (EDSCL1). Also called: EHLERS-DANLOS SYNDROME, GRAVIS TYPE; EHLERS-DANLOS SYNDROME, SEVERE CLASSIC TYPE; Ehlers-Danlos syndrome, type 1; EDS I; Ehlers-Danlos Syndrome, Classic Type, COL5A1-Related. Identifiers: MedGen C0268335, MONDO:0019567, OMIM 130000.

Allele frequency attached by ClinVar (database versions not stated): gnomAD exomes 0.00003 and 0.00001; ExAC 0.00002; TOPMed 0.00002; gnomAD 0.00001.
gnomAD v4.1: 14 of 1,614,038 alleles (0.00087%); highest among the groups gnomAD compares: East Asian, 0.022%; no homozygotes.

Submission:

Labcorp Genetics (formerly Invitae), Labcorp
Classification: Uncertain significance for Osteogenesis imperfecta type I; Ehlers-Danlos syndrome, classic type, 1. Last evaluated: 2025-04-29. Review status: criteria provided, single submitter. Criteria: Invitae Variant Classification Sherloc (09022015). Collection method: clinical testing. Allele origin: germline.
Comment: This sequence change replaces alanine, which is neutral and non-polar, with threonine, which is neutral and polar, at codon 836 of the COL1A2 protein (p.Ala836Thr). This variant is present in population databases (rs759738995, gnomAD 0.04%). This variant has not been reported in the literature in individuals affected with COL1A2-related conditions. ClinVar contains an entry for this variant (Variation ID: 1359572). Invitae Evidence Modeling of protein sequence and biophysical properties (such as structural, functional, and spatial information, amino acid conservation, physicochemical variation, residue mobility, and thermodynamic stability) indicates that this missense variant is not expected to disrupt COL1A2 protein function with a negative predictive value of 95%. Algorithms developed to predict the effect of sequence changes on RNA splicing suggest that this variant may disrupt the consensus splice site. In summary, the available evidence is currently insufficient to determine the role of this variant in disease. Therefore, it has been classified as a Variant of Uncertain Significance.

NM_000089.4(COL1A2):c.2506G>A (p.Ala836Thr)

Gene: COL1A2 (collagen type I alpha 2 chain; plus strand). Cytogenetic location: 7q21.3.
Variant type: single nucleotide variant.
Coding change: c.2506G>A on transcript NM_000089.4 (MANE Select); coding-DNA position 2506, G replaced by A.
Protein change: p.Ala836Thr; replaces alanine 836 with threonine.
Molecular consequence: missense variant.
Genome position (GRCh38, 1-based): chr7:94,423,059, G>A. VCF-style: chr7-94423059-G-A. GRCh37 (hg19) VCF-style: chr7-94052371-G-A.
Other names: short protein forms A836T.
Identifiers: ClinVar variation 1359572 (VCV001359572.8), dbSNP rs759738995, ClinGen allele CA4347465.